The following is an entry in ClinVar:

NM_001999.4(FBN2):c.5966G>A (p.Arg1989His)

Gene: FBN2 (fibrillin 2; minus strand). Cytogenetic location: 5q23.3.
Variant type: single nucleotide variant.
Coding change: c.5966G>A on transcript NM_001999.4 (MANE Select); coding-DNA position 5966, G replaced by A.
Protein change: p.Arg1989His; replaces arginine 1989 with histidine.
Molecular consequence: missense variant.
Genome position (GRCh38, 1-based): chr5:128,301,462, C>T on the plus strand (G>A on the coding strand, the complement: FBN2 is on the minus strand). VCF-style: chr5-128301462-C-T. GRCh37 (hg19) VCF-style: chr5-127637154-C-T.
Other names: short protein forms R1989H.
Identifiers: ClinVar variation 213240 (VCV000213240.13), dbSNP rs189964478, ClinGen allele CA322179.

ClinVar aggregate classification (germline): Conflicting classifications of pathogenicity. Review status: criteria provided, conflicting classifications (1 of 4 stars). 3 submissions from 3 submitters: Uncertain significance (2); Benign (1). Last evaluated 2025-09-10.

Conditions:
Familial thoracic aortic aneurysm and aortic dissection (TAAD). Also called: Thoracic aortic aneurysms and dissections. Identifiers: Orphanet 91387, MedGen C4707243, MONDO:0019625.
Congenital contractural arachnodactyly (CCA). Also called: Beals-Hecht syndrome; BEALS SYNDROME; Arthrogryposis, distal, type 9. Identifiers: Orphanet 115, MedGen C0220668, MONDO:0007363, OMIM 121050.

Allele frequency attached by ClinVar (database versions not stated): gnomAD 0.00003; TOPMed 0.00004; 1000 Genomes Project 30x 0.00016; 1000 Genomes Project 0.00020.
gnomAD v4.1: 20 of 1,613,294 alleles (0.0012%); highest among the groups gnomAD compares: African/African-American, 0.0067%; no homozygotes.

Submissions (3):

GeneDx
Classification: Uncertain significance. Last evaluated: 2025-09-10. Review status: criteria provided, single submitter. Criteria: GeneDx Variant Classification Process June 2021. Collection method: clinical testing. Allele origin: germline. Affected: yes.
Comment: Has not been previously published as pathogenic or benign to our knowledge; Not observed at significant frequency in large population cohorts (gnomAD); In silico analysis suggests that this missense variant does not alter protein structure/function; Although located in a calcium-binding EGF-like domain of the FBN2 gene, it does not substitute or introduce a cysteine residue (PMID: 19006240, 18767143); This variant is associated with the following publications: (PMID: 19006240, 18767143)

Labcorp Genetics (formerly Invitae), Labcorp
Classification: Benign for Congenital contractural arachnodactyly. Last evaluated: 2025-04-22. Review status: criteria provided, single submitter. Criteria: Invitae Variant Classification Sherloc (09022015). Collection method: clinical testing. Allele origin: germline.

Ambry Genetics
Classification: Uncertain significance for Familial thoracic aortic aneurysm and aortic dissection. Last evaluated: 2020-03-27. Review status: criteria provided, single submitter. Criteria: Ambry Variant Classification Scheme 2023. Collection method: clinical testing. Allele origin: germline.
Comment: The p.R1989H variant (also known as c.5966G>A), located in coding exon 47 of the FBN2 gene, results from a G to A substitution at nucleotide position 5966. The arginine at codon 1989 is replaced by histidine, an amino acid with highly similar properties. This amino acid position is not well conserved in available vertebrate species, and histidine is the reference amino acid in other vertebrate species. In addition, this alteration is predicted to be tolerated by in silico analysis. Since supporting evidence is limited at this time, the clinical significance of this alteration remains unclear.